The following is an entry in ClinVar:

ClinVar aggregate classification (germline): Benign/Likely benign. Review status: criteria provided, multiple submitters, no conflicts (2 of 4 stars). 2 submissions from 2 submitters: Benign (1); Likely benign (1). Last evaluated 2025-05-14.

Conditions:
Birt-Hogg-Dube syndrome 1 (BHD1). Also called: FIBROFOLLICULOMAS WITH TRICHODISCOMAS AND ACROCHORDONS. Identifiers: Orphanet 122, MedGen CN375946, MONDO:0800445, OMIM 135150.
Birt-Hogg-Dube syndrome. Also called: Birt Hogg Dubé syndrome. Identifiers: Orphanet 122, MedGen C0346010, MONDO:0800444.

Submissions (2):

Labcorp Genetics (formerly Invitae), Labcorp
Classification: Likely benign for Birt-Hogg-Dube syndrome. Last evaluated: 2025-05-14. Review status: criteria provided, single submitter. Criteria: Invitae Variant Classification Sherloc (09022015). Collection method: clinical testing. Allele origin: germline.

Myriad Genetics, Inc.
Classification: Benign for Birt-Hogg-Dube syndrome 1. Last evaluated: 2024-10-22. Review status: criteria provided, single submitter. Criteria: Myriad Autosomal Dominant, Autosomal Recessive and X-Linked Classification Criteria (2023). Collection method: clinical testing. Allele origin: unknown.
Comment: This variant is considered benign. This variant is a silent/synonymous amino acid change and it is not expected to impact splicing.

NM_144997.7(FLCN):c.195G>A (p.Glu65=)

Gene: FLCN (folliculin; minus strand). Cytogenetic location: 17p11.2.
Variant type: single nucleotide variant.
Coding change: c.195G>A on transcript NM_144997.7 (MANE Select); coding-DNA position 195, G replaced by A.
Protein change: p.Glu65=; no amino-acid change (glutamic acid 65 retained).
Molecular consequence: synonymous variant.
Genome position (GRCh38, 1-based): chr17:17,227,943, C>T on the plus strand (G>A on the coding strand, the complement: FLCN is on the minus strand). VCF-style: chr17-17227943-C-T. GRCh37 (hg19) VCF-style: chr17-17131257-C-T.
Other names: c.195G>A, p.Glu65= (NM_001353229.2, NM_001353230.2, NM_001353231.2 and 1 more transcripts).
Identifiers: ClinVar variation 3773023 (VCV003773023.2).